The following is an entry in ClinVar:

ClinVar aggregate classification (germline): Uncertain significance. Review status: criteria provided, multiple submitters, no conflicts (2 of 4 stars). 2 submissions from 2 submitters: Uncertain significance (2). Last evaluated 2024-11-30.

Conditions:
Generalized epilepsy with febrile seizures plus, type 7 (GEFSP7). Also called: GEFS+, TYPE 7. Identifiers: Orphanet 36387, MedGen C2751778, MONDO:0013470, OMIM 613863.
Neuropathy, hereditary sensory and autonomic, type 2A (HSAN2A). Also called: MORVAN DISEASE; WNK1-Related HSAN2 (HSAN2A); NEUROPATHY, CONGENITAL SENSORY; NEUROPATHY, HEREDITARY SENSORY RADICULAR, AUTOSOMAL RECESSIVE; NEUROPATHY, HEREDITARY SENSORY, TYPE IIA; NEUROPATHY, PROGRESSIVE SENSORY, OF CHILDREN. Identifiers: Orphanet 970, MedGen C2752089, MONDO:0024309, OMIM 201300.

Allele frequency attached by ClinVar (database versions not stated): gnomAD exomes below 0.00001 and 0.00001; ExAC 0.00001.
gnomAD v4.1: 7 of 1,605,162 alleles (0.00044%); highest among the groups gnomAD compares: East Asian, 0.011%; no homozygotes.

Submissions (2):

Labcorp Genetics (formerly Invitae), Labcorp
Classification: Uncertain significance for Neuropathy, hereditary sensory and autonomic, type 2A; Generalized epilepsy with febrile seizures plus, type 7. Last evaluated: 2024-11-30. Review status: criteria provided, single submitter. Criteria: Invitae Variant Classification Sherloc (09022015). Collection method: clinical testing. Allele origin: germline.
Comment: This sequence change replaces serine, which is neutral and polar, with glycine, which is neutral and non-polar, at codon 1097 of the SCN9A protein (p.Ser1097Gly). This variant is present in population databases (rs758165714, gnomAD 0.006%). This variant has not been reported in the literature in individuals affected with SCN9A-related conditions. ClinVar contains an entry for this variant (Variation ID: 234826). Invitae Evidence Modeling of protein sequence and biophysical properties (such as structural, functional, and spatial information, amino acid conservation, physicochemical variation, residue mobility, and thermodynamic stability) indicates that this missense variant is not expected to disrupt SCN9A protein function with a negative predictive value of 95%. In summary, the available evidence is currently insufficient to determine the role of this variant in disease. Therefore, it has been classified as a Variant of Uncertain Significance.

GeneDx
Classification: Uncertain significance. Last evaluated: 2016-09-27. Review status: criteria provided, single submitter. Criteria: GeneDx Variant Classification (06012015). Collection method: clinical testing. Allele origin: germline. Affected: yes.
Comment: The c.3289 A>G variant has not been published as a pathogenic variant, nor has it been reported as a benign variant to our knowledge. The c.3289 A>G variant was not observed in approximately 6,000 individuals of European and African American ancestry in the NHLBI Exome Sequencing Project, indicating it is not a common benign variant in these populations. Several in-silico splice prediction models predict that c.3289 A>G may create a cryptic splice donor site in exon 17 which may supplant the natural splice donor site and lead to abnormal gene splicing. However, in the absence of RNA/functional studies, the actual effect of this sequence change in this individual is unknown. If c.3289 A>G does not alter splicing, it will result in the S1097G missense change, which is non-conservative amino acid substitution, which is likely to impact secondary protein structure as these residues differ in polarity, charge, size and/or other properties. This substitution occurs at a position that is conserved across species. However, in silico analysis is inconsistent in its predictions as to whether or not the variant is damaging to the protein structure/function. Therefore, based on the currently available information, it is unclear whether this variant is a pathogenic variant or a rare benign variant.

NM_001365536.1(SCN9A):c.3322A>G (p.Ser1108Gly)

Genes: SCN1A-AS1 (SCN1A and SCN9A antisense RNA 1; plus strand), SCN9A (sodium voltage-gated channel alpha subunit 9; minus strand). Cytogenetic location: 2q24.3.
Variant type: single nucleotide variant.
Coding change: c.3322A>G on transcript NM_001365536.1 (MANE Select); coding-DNA position 3322, A replaced by G.
Protein change: p.Ser1108Gly; replaces serine 1108 with glycine.
Molecular consequence: missense variant.
Genome position (GRCh38, 1-based): chr2:166,272,428, T>C on the plus strand (A>G on the coding strand, the complement: SCN9A is on the minus strand). VCF-style: chr2-166272428-T-C. GRCh37 (hg19) VCF-style: chr2-167128938-T-C.
Other names: c.3289A>G, p.Ser1097Gly (NM_002977.4); short protein forms S1097G, S1108G.
Identifiers: ClinVar variation 234826 (VCV000234826.7), dbSNP rs758165714, ClinGen allele CA1944101.